The following is an entry in ClinVar:

ClinVar aggregate classification (germline): Uncertain significance. Review status: criteria provided, multiple submitters, no conflicts (2 of 4 stars). 2 submissions from 2 submitters: Uncertain significance (2). Last evaluated 2024-12-02.

Allele frequency attached by ClinVar (database versions not stated): gnomAD 0.00003; TOPMed 0.00004; ExAC 0.00006.
gnomAD v4.1: 38 of 1,601,388 alleles (0.0024%); highest among the groups gnomAD compares: Admixed American, 0.0051%; no homozygotes.

Submissions (2):

Labcorp Genetics (formerly Invitae), Labcorp
Classification: Uncertain significance. Last evaluated: 2024-12-02. Review status: criteria provided, single submitter. Criteria: Invitae Variant Classification Sherloc (09022015). Collection method: clinical testing. Allele origin: germline.
Comment: This sequence change replaces arginine, which is basic and polar, with tryptophan, which is neutral and slightly polar, at codon 342 of the FSCN2 protein (p.Arg342Trp). This variant is present in population databases (rs767392214, gnomAD 0.009%). This variant has not been reported in the literature in individuals affected with FSCN2-related conditions. ClinVar contains an entry for this variant (Variation ID: 1910023). An algorithm developed to predict the effect of missense changes on protein structure and function (PolyPhen-2) suggests that this variant is likely to be disruptive. In summary, the available evidence is currently insufficient to determine the role of this variant in disease. Therefore, it has been classified as a Variant of Uncertain Significance.

Ambry Genetics
Classification: Uncertain significance. Last evaluated: 2024-08-11. Review status: criteria provided, single submitter. Criteria: Ambry Variant Classification Scheme 2023. Collection method: clinical testing. Allele origin: germline.

NM_012418.4(FSCN2):c.1024C>T (p.Arg342Trp)

Gene: FSCN2 (fascin actin-bundling protein 2, retinal; plus strand). Cytogenetic location: 17q25.3.
Variant type: single nucleotide variant.
Coding change: c.1024C>T on transcript NM_012418.4 (MANE Select); coding-DNA position 1024, C replaced by T.
Protein change: p.Arg342Trp; replaces arginine 342 with tryptophan.
Molecular consequence: missense variant.
Genome position (GRCh38, 1-based): chr17:81,536,186, C>T. VCF-style: chr17-81536186-C-T. GRCh37 (hg19) VCF-style: chr17-79503212-C-T.
Other names: c.1024C>T (NM_001077182.2); c.1024C>T, p.Arg342Trp (NM_001077182.3); short protein forms R342W.
Identifiers: ClinVar variation 1910023 (VCV001910023.6), dbSNP rs767392214, ClinGen allele CA8836930.